The following is an entry in ClinVar:

NM_021020.5(LZTS1):c.1560G>C (p.Gln520His)

Gene: LZTS1 (leucine zipper tumor suppressor 1; minus strand). Cytogenetic location: 8p21.3.
Variant type: single nucleotide variant.
Coding change: c.1560G>C on transcript NM_021020.5 (MANE Select); coding-DNA position 1560, G replaced by C.
Protein change: p.Gln520His; replaces glutamine 520 with histidine.
Molecular consequence: missense variant.
Genome position (GRCh38, 1-based): chr8:20,249,953, C>G on the plus strand (G>C on the coding strand, the complement: LZTS1 is on the minus strand). VCF-style: chr8-20249953-C-G. GRCh37 (hg19) VCF-style: chr8-20107464-C-G.
Other names: c.1560G>C, p.Gln520His (NM_001362884.2); short protein forms Q520H.
Identifiers: ClinVar variation 1951587 (VCV001951587.5), dbSNP rs2486296461, ClinGen allele CA370475825.

ClinVar aggregate classification (germline): Uncertain significance (1 of 4 stars; one submission).

Allele frequency attached by ClinVar (database versions not stated): gnomAD exomes below 0.00001.
gnomAD v4.1: 3 of 1,614,154 alleles (0.00019%); highest among the groups gnomAD compares: Admixed American, 0.0017%; no homozygotes.

Submission:

Labcorp Genetics (formerly Invitae), Labcorp
Classification: Uncertain significance. Last evaluated: 2022-09-27. Review status: criteria provided, single submitter. Criteria: Invitae Variant Classification Sherloc (09022015). Collection method: clinical testing. Allele origin: germline.
Comment: This variant has not been reported in the literature in individuals affected with LZTS1-related conditions. This variant is not present in population databases (gnomAD no frequency). This sequence change replaces glutamine, which is neutral and polar, with histidine, which is basic and polar, at codon 520 of the LZTS1 protein (p.Gln520His). In summary, the available evidence is currently insufficient to determine the role of this variant in disease. Therefore, it has been classified as a Variant of Uncertain Significance. Advanced modeling of protein sequence and biophysical properties (such as structural, functional, and spatial information, amino acid conservation, physicochemical variation, residue mobility, and thermodynamic stability) performed at Invitae indicates that this missense variant is not expected to disrupt LZTS1 protein function.